The following is an entry in ClinVar:

NM_001457.4(FLNB):c.5984T>C (p.Val1995Ala)

Gene: FLNB (filamin B; plus strand). Cytogenetic location: 3p14.3.
Variant type: single nucleotide variant.
Coding change: c.5984T>C on transcript NM_001457.4 (MANE Select); coding-DNA position 5984, T replaced by C.
Protein change: p.Val1995Ala; replaces valine 1995 with alanine.
Molecular consequence: missense variant.
Genome position (GRCh38, 1-based): chr3:58,148,745, T>C. VCF-style: chr3-58148745-T-C. GRCh37 (hg19) VCF-style: chr3-58134472-T-C.
Other names: c.6077T>C, p.Val2026Ala (NM_001164317.2); c.5951T>C, p.Val1984Ala (NM_001164318.2); c.5912T>C, p.Val1971Ala (NM_001164319.2); short protein forms V1971A, V2026A, V1984A, V1995A.
Identifiers: ClinVar variation 2872319 (VCV002872319.3), dbSNP rs2471206620, ClinGen allele CA353356277.

ClinVar aggregate classification (germline): Uncertain significance (1 of 4 stars; one submission).

Submission:

Labcorp Genetics (formerly Invitae), Labcorp
Classification: Uncertain significance. Last evaluated: 2023-06-27. Review status: criteria provided, single submitter. Criteria: Invitae Variant Classification Sherloc (09022015). Collection method: clinical testing. Allele origin: germline.
Comment: In summary, the available evidence is currently insufficient to determine the role of this variant in disease. Therefore, it has been classified as a Variant of Uncertain Significance. Advanced modeling of protein sequence and biophysical properties (such as structural, functional, and spatial information, amino acid conservation, physicochemical variation, residue mobility, and thermodynamic stability) performed at Invitae indicates that this missense variant is not expected to disrupt FLNB protein function. This variant has not been reported in the literature in individuals affected with FLNB-related conditions. This variant is not present in population databases (gnomAD no frequency). This sequence change replaces valine, which is neutral and non-polar, with alanine, which is neutral and non-polar, at codon 1995 of the FLNB protein (p.Val1995Ala).